The following is an entry in ClinVar:

ClinVar aggregate classification (germline): Uncertain significance (1 of 4 stars; one submission).

gnomAD v4.1: 1 of 1,614,206 alleles (0.000062%); highest among the groups gnomAD compares: Non-Finnish European, 0.000085%; no homozygotes.

Submission:

Women's Health and Genetics/Laboratory Corporation of America, LabCorp
Classification: Uncertain significance. Last evaluated: 2025-05-23. Review status: criteria provided, single submitter. Criteria: LabCorp Variant Classification Summary - May 2015. Collection method: clinical testing. Allele origin: germline.
Comment: Variant summary: SYNE2 c.13709C>G (p.Thr4570Arg) results in a non-conservative amino acid change in the encoded protein sequence. Algorithms developed to predict the effect of missense changes on protein structure and function are either unavailable or do not agree on the potential impact of this missense change. Several computational tools predict a significant impact on normal splicing: Two predict the variant creates a 3' acceptor site. One predicts the variant weakens a 3' acceptor site. However, these predictions have yet to be confirmed by functional studies. The variant was absent in 251262 control chromosomes (gnomAD). The available data on variant occurrences in the general population are insufficient to allow any conclusion about variant significance. To our knowledge, no occurrence of c.13709C>G in individuals affected with Emery-Dreifuss muscular dystrophy 5, autosomal dominant and no experimental evidence demonstrating its impact on protein function have been reported. No submitters have cited clinical-significance assessments for this variant to ClinVar. Based on the evidence outlined above, the variant was classified as uncertain significance.

NM_182914.3(SYNE2):c.13709C>G (p.Thr4570Arg)

Gene: SYNE2 (spectrin repeat containing nuclear envelope protein 2; plus strand). Cytogenetic location: 14q23.2.
Variant type: single nucleotide variant.
Coding change: c.13709C>G on transcript NM_182914.3 (MANE Select); coding-DNA position 13709, C replaced by G.
Protein change: p.Thr4570Arg; replaces threonine 4570 with arginine.
Molecular consequence: missense variant.
Genome position (GRCh38, 1-based): chr14:64,126,599, C>G. VCF-style: chr14-64126599-C-G. GRCh37 (hg19) VCF-style: chr14-64593317-C-G.
Other names: c.13709C>G, p.Thr4570Arg (NM_015180.6); short protein forms T4570R.
Identifiers: ClinVar variation 3902712 (VCV003902712.1).